The following is an entry in ClinVar:

NM_001134831.2(AHI1):c.1152-51C>T

Gene: AHI1 (Abelson helper integration site 1; minus strand). Cytogenetic location: 6q23.3.
Variant type: single nucleotide variant.
Coding change: c.1152-51C>T on transcript NM_001134831.2 (MANE Select); 51 bases into the intron before coding-DNA position 1152, C replaced by T.
Molecular consequence: intron variant.
Genome position (GRCh38, 1-based): chr6:135,455,977, G>A on the plus strand (C>T on the coding strand, the complement: AHI1 is on the minus strand). VCF-style: chr6-135455977-G-A. GRCh37 (hg19) VCF-style: chr6-135777115-G-A.
Other names: c.1152-51C>T (NM_001134830.2, NM_001350503.2, NM_017651.5 and 2 more transcripts).
Identifiers: ClinVar variation 675181 (VCV000675181.2), dbSNP rs4896147, ClinGen allele CA148141850.

ClinVar aggregate classification (germline): Likely benign. Review status: criteria provided, multiple submitters, no conflicts (2 of 4 stars). 2 submissions from 2 submitters: Likely benign (2). Last evaluated 2018-06-19.

Allele frequency attached by ClinVar (database versions not stated): ESP Exome Variant Server 0.01627; gnomAD 0.01951 and 0.02028; TOPMed 0.02157; 1000 Genomes Project 30x 0.02420; 1000 Genomes Project 0.02536.
gnomAD v4.1: 33,205 of 1,264,824 alleles (2.6%); highest among the groups gnomAD compares: Admixed American, 3.6%; 470 homozygotes.

Submissions (2):

GeneDx
Classification: Likely benign. Last evaluated: 2018-06-19. Review status: criteria provided, single submitter. Criteria: GeneDx Variant Classification (06012015). Collection method: clinical testing. Allele origin: germline. Affected: yes.
Comment: This variant is considered likely benign or benign based on one or more of the following criteria: it is a conservative change, it occurs at a poorly conserved position in the protein, it is predicted to be benign by multiple in silico algorithms, and/or has population frequency not consistent with disease.

Breakthrough Genomics
Classification: Likely benign. Review status: criteria provided, single submitter. Criteria: ACMG Guidelines, 2015. Collection method: not provided. Allele origin: germline. Inheritance: Autosomal recessive inheritance. Affected: yes.